The following is an entry in ClinVar:

ClinVar aggregate classification (germline): Pathogenic (1 of 4 stars; one submission).

Conditions:
Neurofibromatosis, type 1 (NF1). Also called: Peripheral type neurofibromatosis; Neurofibromatosis, type I; VON RECKLINGHAUSEN DISEASE; NEUROFIBROMATOSIS, TYPE I, SOMATIC. Identifiers: Orphanet 636, MedGen C0027831, MONDO:0018975, OMIM 162200. Disease mechanism: loss of function.

Submission:

Labcorp Genetics (formerly Invitae), Labcorp
Classification: Pathogenic for Neurofibromatosis, type 1. Last evaluated: 2024-04-08. Review status: criteria provided, single submitter. Criteria: Invitae Variant Classification Sherloc (09022015). Collection method: clinical testing. Allele origin: germline.
Comment: This sequence change creates a premature translational stop signal (p.Ser139Leufs*26) in the NF1 gene. It is expected to result in an absent or disrupted protein product. Loss-of-function variants in NF1 are known to be pathogenic (PMID: 10712197, 23913538). This variant is not present in population databases (gnomAD no frequency). This variant has not been reported in the literature in individuals affected with NF1-related conditions. For these reasons, this variant has been classified as Pathogenic.

Literature cited by the submitters: PubMed 10712197; PubMed 23913538.

NM_001042492.3(NF1):c.414del (p.Ser139fs)

Gene: NF1 (neurofibromin 1; plus strand). Cytogenetic location: 17q11.2.
Variant type: Deletion.
Coding change: c.414del on transcript NM_001042492.3 (MANE Select); coding-DNA position 414, one base deleted (C; older notation c.414delC).
Protein change: p.Ser139fs; shifts the reading frame from serine 139.
Molecular consequence: frameshift variant.
Genome position (GRCh38, 1-based): chr17:31,163,311, C deleted; the last of 2 consecutive C bases (chr17:31,163,310-31,163,311); deleting either gives the same sequence. VCF-style (leftmost placement, unchanged base first): chr17-31163309-GC-G. GRCh37 (hg19) VCF-style: chr17-29490327-GC-G.
Other names: c.414delC, p.Ser139Leufs (NM_000267.4); c.414del, p.Ser139fs (NM_001128147.3); short protein forms S139fs.
Identifiers: ClinVar variation 3683037 (VCV003683037.2).
Genomic context (GRCh38, chr17:31,163,309, plus strand): 5'-TGCCATTTTCTTCACACCTGTCGTGAAGGAAACCAGCATGCAGCTGAACTTCGGAATTCT[GC>G]CTCTGGGGTTTTATTTTCTCTCAGCTGCAACAACTTCAATGCAGTCTTTAGTCGCATTTC-3'